The following is an entry in ClinVar:

ClinVar aggregate classification (germline): Conflicting classifications of pathogenicity. Review status: criteria provided, conflicting classifications (1 of 4 stars). 3 submissions from 3 submitters: Uncertain significance (2); Likely benign (1). Last evaluated 2025-12-01.

Conditions:
Inborn genetic diseases. Identifiers: MedGen C0950123, MeSH D030342.

Allele frequency attached by ClinVar (database versions not stated): TOPMed 0.00002; gnomAD 0.00003 and 0.00004; ExAC 0.00004; gnomAD exomes 0.00004.
gnomAD v4.1: 67 of 1,613,748 alleles (0.0042%); highest among the groups gnomAD compares: Non-Finnish European, 0.0053%; no homozygotes.

Submissions (3):

CeGaT Center for Human Genetics Tuebingen
Classification: Likely benign. Last evaluated: 2025-12-01. Review status: criteria provided, single submitter. Criteria: CeGaT Center For Human Genetics Tuebingen Variant Classification Criteria Version 2. Collection method: clinical testing. Allele origin: germline. Affected: yes. Observed: 2 variant alleles.
Comment: WDR62: BP4

Ambry Genetics
Classification: Uncertain significance for Inborn genetic diseases. Last evaluated: 2025-09-25. Review status: criteria provided, single submitter. Criteria: Ambry Variant Classification Scheme 2023. Collection method: clinical testing. Allele origin: germline.

Labcorp Genetics (formerly Invitae), Labcorp
Classification: Uncertain significance. Last evaluated: 2024-10-25. Review status: criteria provided, single submitter. Criteria: Invitae Variant Classification Sherloc (09022015). Collection method: clinical testing. Allele origin: germline.
Comment: This sequence change replaces asparagine, which is neutral and polar, with serine, which is neutral and polar, at codon 166 of the WDR62 protein (p.Asn166Ser). This variant is present in population databases (rs775013414, gnomAD 0.01%). This variant has not been reported in the literature in individuals affected with WDR62-related conditions. ClinVar contains an entry for this variant (Variation ID: 1410606). Invitae Evidence Modeling of protein sequence and biophysical properties (such as structural, functional, and spatial information, amino acid conservation, physicochemical variation, residue mobility, and thermodynamic stability) indicates that this missense variant is not expected to disrupt WDR62 protein function with a negative predictive value of 80%. In summary, the available evidence is currently insufficient to determine the role of this variant in disease. Therefore, it has been classified as a Variant of Uncertain Significance.

NM_001083961.2(WDR62):c.497A>G (p.Asn166Ser)

Gene: WDR62 (WD repeat domain 62; plus strand). Cytogenetic location: 19q13.12.
Variant type: single nucleotide variant.
Coding change: c.497A>G on transcript NM_001083961.2 (MANE Select); coding-DNA position 497, A replaced by G.
Protein change: p.Asn166Ser; replaces asparagine 166 with serine.
Molecular consequence: missense variant.
Genome position (GRCh38, 1-based): chr19:36,066,363, A>G. VCF-style: chr19-36066363-A-G. GRCh37 (hg19) VCF-style: chr19-36557265-A-G.
Other names: c.497A>G, p.Asn166Ser (NM_173636.5); c.497A>G (NM_001083961.1); short protein forms N166S.
Identifiers: ClinVar variation 1410606 (VCV001410606.23), dbSNP rs775013414, ClinGen allele CA9395303.